The following is an entry in ClinVar:

ClinVar aggregate classification (germline): Uncertain significance (1 of 4 stars; one submission).

Allele frequency attached by ClinVar (database versions not stated): gnomAD exomes below 0.00001 and 0.00001; TOPMed below 0.00001.
gnomAD v4.1: 2 of 1,614,072 alleles (0.00012%); highest among the groups gnomAD compares: Admixed American, 0.0017%; no homozygotes.

Submission:

Labcorp Genetics (formerly Invitae), Labcorp
Classification: Uncertain significance. Last evaluated: 2024-10-23. Review status: criteria provided, single submitter. Criteria: Invitae Variant Classification Sherloc (09022015). Collection method: clinical testing. Allele origin: germline.
Comment: This sequence change replaces arginine, which is basic and polar, with tryptophan, which is neutral and slightly polar, at codon 219 of the PCYT1A protein (p.Arg219Trp). This variant is present in population databases (no rsID available, gnomAD 0.003%). This variant has not been reported in the literature in individuals affected with PCYT1A-related conditions. ClinVar contains an entry for this variant (Variation ID: 1408321). Invitae Evidence Modeling of protein sequence and biophysical properties (such as structural, functional, and spatial information, amino acid conservation, physicochemical variation, residue mobility, and thermodynamic stability) indicates that this missense variant is expected to disrupt PCYT1A protein function with a positive predictive value of 95%. In summary, the available evidence is currently insufficient to determine the role of this variant in disease. Therefore, it has been classified as a Variant of Uncertain Significance.

NM_001312673.2(PCYT1A):c.655C>T (p.Arg219Trp)

Gene: PCYT1A (phosphate cytidylyltransferase 1A, choline; minus strand). Cytogenetic location: 3q29.
Variant type: single nucleotide variant.
Coding change: c.655C>T on transcript NM_001312673.2 (MANE Select); coding-DNA position 655, C replaced by T.
Protein change: p.Arg219Trp; replaces arginine 219 with tryptophan.
Molecular consequence: missense variant.
Genome position (GRCh38, 1-based): chr3:196,242,001, G>A on the plus strand (C>T on the coding strand, the complement: PCYT1A is on the minus strand). VCF-style: chr3-196242001-G-A. GRCh37 (hg19) VCF-style: chr3-195968872-G-A.
Other names: c.655C>T, p.Arg219Trp (NM_005017.4); short protein forms R219W.
Identifiers: ClinVar variation 1408321 (VCV001408321.5), dbSNP rs1330097122, ClinGen allele CA355611252.